The following is an entry in ClinVar:

NM_001105206.3(LAMA4):c.3805A>C (p.Asn1269His)

Gene: LAMA4 (laminin subunit alpha 4; minus strand). Cytogenetic location: 6q21.
Variant type: single nucleotide variant.
Coding change: c.3805A>C on transcript NM_001105206.3 (MANE Select); coding-DNA position 3805, A replaced by C.
Protein change: p.Asn1269His; replaces asparagine 1269 with histidine.
Molecular consequence: missense variant.
Genome position (GRCh38, 1-based): chr6:112,132,782, T>G on the plus strand (A>C on the coding strand, the complement: LAMA4 is on the minus strand). VCF-style: chr6-112132782-T-G. GRCh37 (hg19) VCF-style: chr6-112453984-T-G.
Other names: c.3784A>C, p.Asn1262His (NM_001105207.3, NM_002290.5); short protein forms N1262H, N1269H.
Identifiers: ClinVar variation 1734869 (VCV001734869.2), dbSNP rs1554330295, ClinGen allele CA365374728.

ClinVar aggregate classification (germline): Uncertain significance (1 of 4 stars; one submission).

Conditions:
Cardiovascular phenotype. Identifiers: MedGen CN230736.

Allele frequency attached by ClinVar (database versions not stated): gnomAD exomes below 0.00001.
gnomAD v4.1: 2 of 1,613,098 alleles (0.00012%); highest among the groups gnomAD compares: Admixed American, 0.0033%; no homozygotes.

Submission:

Ambry Genetics
Classification: Uncertain significance for Cardiovascular phenotype. Last evaluated: 2022-08-27. Review status: criteria provided, single submitter. Criteria: Ambry Variant Classification Scheme 2023. Collection method: clinical testing. Allele origin: germline.
Comment: The p.N1262H variant (also known as c.3784A>C), located in coding exon 27 of the LAMA4 gene, results from an A to C substitution at nucleotide position 3784. The asparagine at codon 1262 is replaced by histidine, an amino acid with similar properties. This amino acid position is conserved. In addition, this alteration is predicted to be tolerated by in silico analysis. Since supporting evidence is limited at this time, the clinical significance of this alteration remains unclear.